The following is an entry in ClinVar:

ClinVar aggregate classification (germline): Likely benign. Review status: criteria provided, multiple submitters, no conflicts (2 of 4 stars). 2 submissions from 2 submitters: Likely benign (2). Last evaluated 2024-09-16.

Conditions:
Hereditary cancer-predisposing syndrome. Also called: Hereditary neoplastic syndrome; Neoplastic Syndromes, Hereditary; Tumor predisposition; Hereditary Cancer Syndrome. Identifiers: Orphanet 140162, MedGen C0027672, MeSH D009386, MONDO:0015356.
Familial cancer of breast. Also called: BREAST CANCER, FAMILIAL; Hereditary breast cancer; hereditary breast carcinoma. Identifiers: Orphanet 227535, MedGen C0346153, MONDO:0016419, OMIM 114480. Disease mechanism: loss of function.

Submissions (2):

Ambry Genetics
Classification: Likely benign for Hereditary cancer-predisposing syndrome. Last evaluated: 2024-09-16. Review status: criteria provided, single submitter. Criteria: Ambry Variant Classification Scheme 2023. Collection method: clinical testing. Allele origin: germline.

Myriad Genetics, Inc.
Classification: Likely benign for Familial cancer of breast. Last evaluated: 2024-04-19. Review status: criteria provided, single submitter. Criteria: Myriad Autosomal Dominant, Autosomal Recessive and X-Linked Classification Criteria (2023). Collection method: clinical testing. Allele origin: unknown.
Comment: This variant is considered likely benign. This variant is intronic and is not expected to impact mRNA splicing.

NM_000051.4(ATM):c.497-5_497-4dup

Gene: ATM (ATM serine/threonine kinase; plus strand). Cytogenetic location: 11q22.3.
Variant type: Duplication.
Coding change: c.497-5_497-4dup on transcript NM_000051.4 (MANE Select); 5 bases into the intron before coding-DNA position 497 through 4 bases into the intron before coding-DNA position 497, 2 bases duplicated (TT; older notation c.497-5_497-4dupTT).
Molecular consequence: intron variant.
Genome position (GRCh38, 1-based): chr11:108,243,948-108,243,949, TT duplicated; duplicating any 2 consecutive bases within chr11:108,243,935-108,243,949 gives the same sequence; the c. name uses the placement nearest the transcript's 3' end. VCF-style (leftmost placement, unchanged base first): chr11-108243934-A-ATT. GRCh37 (hg19) VCF-style: chr11-108114661-A-ATT.
Other names: c.497-5_497-4dup (NM_001351834.2); c.497-5_497-4dupTT (NM_000051.3).
Identifiers: ClinVar variation 3253846 (VCV003253846.2), dbSNP rs768748099.